The following is an entry in ClinVar:

ClinVar aggregate classification (germline): Uncertain significance (1 of 4 stars; one submission).

Conditions:
Charcot-Marie-Tooth disease axonal type 2Z. Also called: CHARCOT-MARIE-TOOTH DISEASE, AXONAL, AUTOSOMAL DOMINANT, TYPE 2Z; CHARCOT-MARIE-TOOTH NEUROPATHY, TYPE 2Z. Identifiers: Orphanet 466768, MedGen C5569025, MONDO:0014736, OMIM 616688.

Allele frequency attached by ClinVar (database versions not stated): gnomAD exomes 0.00001 and 0.00002; ExAC 0.00002; gnomAD 0.00001; ESP Exome Variant Server 0.00008; TOPMed below 0.00001.
gnomAD v4.1: 15 of 1,613,554 alleles (0.00093%); highest among the groups gnomAD compares: Non-Finnish European, 0.0013%; no homozygotes.

Submission:

Labcorp Genetics (formerly Invitae), Labcorp
Classification: Uncertain significance for Charcot-Marie-Tooth disease axonal type 2Z. Last evaluated: 2024-08-15. Review status: criteria provided, single submitter. Criteria: Invitae Variant Classification Sherloc (09022015). Collection method: clinical testing. Allele origin: germline.
Comment: This sequence change replaces arginine, which is basic and polar, with lysine, which is basic and polar, at codon 600 of the MORC2 protein (p.Arg600Lys). This variant is present in population databases (rs200774292, gnomAD 0.005%). This variant has not been reported in the literature in individuals affected with MORC2-related conditions. ClinVar contains an entry for this variant (Variation ID: 570296). An algorithm developed to predict the effect of missense changes on protein structure and function outputs the following: PolyPhen-2: "Benign". The lysine amino acid residue is found in multiple mammalian species, which suggests that this missense change does not adversely affect protein function. In summary, the available evidence is currently insufficient to determine the role of this variant in disease. Therefore, it has been classified as a Variant of Uncertain Significance.

NM_001303256.3(MORC2):c.1799G>A (p.Arg600Lys)

Gene: MORC2 (MORC family CW-type zinc finger 2; minus strand). Cytogenetic location: 22q12.2.
Variant type: single nucleotide variant.
Coding change: c.1799G>A on transcript NM_001303256.3 (MANE Select); coding-DNA position 1799, G replaced by A.
Protein change: p.Arg600Lys; replaces arginine 600 with lysine.
Molecular consequence: missense variant.
Genome position (GRCh38, 1-based): chr22:30,935,261, C>T on the plus strand (G>A on the coding strand, the complement: MORC2 is on the minus strand). VCF-style: chr22-30935261-C-T. GRCh37 (hg19) VCF-style: chr22-31331248-C-T.
Other names: c.1799G>A, p.Arg600Lys (NM_001303257.2); c.1613G>A, p.Arg538Lys (NM_014941.3); short protein forms R538K, R600K.
Identifiers: ClinVar variation 570296 (VCV000570296.7), dbSNP rs200774292, ClinGen allele CA10186845.